The following is an entry in ClinVar:

NM_173598.6(KSR2):c.1272G>A (p.Thr424=)

Gene: KSR2 (kinase suppressor of ras 2; minus strand). Cytogenetic location: 12q24.22.
Variant type: single nucleotide variant.
Coding change: c.1272G>A on transcript NM_173598.6 (MANE Select); coding-DNA position 1272, G replaced by A.
Protein change: p.Thr424=; no amino-acid change (threonine 424 retained).
Molecular consequence: synonymous variant.
Genome position (GRCh38, 1-based): chr12:117,579,172, C>T on the plus strand (G>A on the coding strand, the complement: KSR2 is on the minus strand). VCF-style: chr12-117579172-C-T. GRCh37 (hg19) VCF-style: chr12-118016977-C-T.
Identifiers: ClinVar variation 3054861 (VCV003054861.2), dbSNP rs760825042, ClinGen allele CA6816071.

ClinVar aggregate classification (germline): Likely benign (0 of 4 stars; one submission).

Conditions:
KSR2-related disorder. Also called: KSR2-related condition.

Allele frequency attached by ClinVar (database versions not stated): TOPMed 0.00003.
gnomAD v4.1: 59 of 1,613,654 alleles (0.0037%); highest among the groups gnomAD compares: South Asian, 0.048%; no homozygotes.

Submission:

PreventionGenetics, part of Exact Sciences
Classification: Likely benign for KSR2-related condition. Last evaluated: 2022-02-17. Review status: no assertion criteria provided. Collection method: clinical testing. Allele origin: germline.
Comment: This variant is classified as likely benign based on ACMG/AMP sequence variant interpretation guidelines (Richards et al. 2015 PMID: 25741868, with internal and published modifications).